The following is an entry in ClinVar:

NM_006017.3(PROM1):c.1052C>T (p.Thr351Ile)

Gene: PROM1 (prominin 1; minus strand). Cytogenetic location: 4p15.32.
Variant type: single nucleotide variant.
Coding change: c.1052C>T on transcript NM_006017.3 (MANE Select); coding-DNA position 1052, C replaced by T.
Protein change: p.Thr351Ile; replaces threonine 351 with isoleucine.
Molecular consequence: missense variant.
Genome position (GRCh38, 1-based): chr4:16,016,191, G>A on the plus strand (C>T on the coding strand, the complement: PROM1 is on the minus strand). VCF-style: chr4-16016191-G-A. GRCh37 (hg19) VCF-style: chr4-16017814-G-A.
Other names: c.1025C>T, p.Thr342Ile (NM_001145847.2, NM_001145848.2, NM_001145851.2 and 4 more transcripts); c.1052C>T, p.Thr351Ile (NM_001145849.2, NM_001145850.2); short protein forms T342I, T351I.
Identifiers: ClinVar variation 1371259 (VCV001371259.6), dbSNP rs2149291296, ClinGen allele CA356416647.

ClinVar aggregate classification (germline): Uncertain significance (1 of 4 stars; one submission).

Submission:

Labcorp Genetics (formerly Invitae), Labcorp
Classification: Uncertain significance. Last evaluated: 2021-07-31. Review status: criteria provided, single submitter. Criteria: Invitae Variant Classification Sherloc (09022015). Collection method: clinical testing. Allele origin: germline.
Comment: In summary, the available evidence is currently insufficient to determine the role of this variant in disease. Therefore, it has been classified as a Variant of Uncertain Significance. Algorithms developed to predict the effect of missense changes on protein structure and function output the following: SIFT: "Tolerated"; PolyPhen-2: "Possibly Damaging"; Align-GVGD: "Class C0". The isoleucine amino acid residue is found in multiple mammalian species, which suggests that this missense change does not adversely affect protein function. This variant has not been reported in the literature in individuals affected with PROM1-related conditions. This variant is not present in population databases (ExAC no frequency). This sequence change replaces threonine with isoleucine at codon 351 of the PROM1 protein (p.Thr351Ile). The threonine residue is moderately conserved and there is a moderate physicochemical difference between threonine and isoleucine.